The following is an entry in ClinVar:

ClinVar aggregate classification (germline): Likely benign. Review status: criteria provided, single submitter (1 of 4 stars). 2 submissions from 2 submitters: Likely benign (1). 1 of the submissions does not count toward it. Last evaluated 2024-11-28.

Conditions:
OFD1-related disorder. Also called: OFD1-related condition.

gnomAD v4.1: 51 of 112,261 alleles (0.045%); highest among the groups gnomAD compares: Non-Finnish European, 0.086%; no homozygotes.

Submissions (2):

Blueprint Genetics
Classification: Likely benign. Last evaluated: 2024-11-28. Review status: criteria provided, single submitter. Criteria: ACMG Guidelines, 2015. Collection method: clinical testing. Allele origin: germline.

PreventionGenetics, part of Exact Sciences
Classification: Likely benign for OFD1-related condition. Last evaluated: 2024-04-02. Review status: no assertion criteria provided. Collection method: clinical testing. Allele origin: germline. Not counted in ClinVar's aggregate classification.
Comment: This variant is classified as likely benign based on ACMG/AMP sequence variant interpretation guidelines (Richards et al. 2015 PMID: 25741868, with internal and published modifications).

NM_003611.3(OFD1):c.935+691A>G

Gene: OFD1 (OFD1 centriole and centriolar satellite protein; plus strand). Cytogenetic location: Xp22.2.
Variant type: single nucleotide variant.
Coding change: c.935+691A>G on transcript NM_003611.3 (MANE Select); 691 bases into the intron after coding-DNA position 935, A replaced by G.
Molecular consequence: intron variant.
Genome position (GRCh38, 1-based): chrX:13,750,224, A>G. VCF-style: chrX-13750224-A-G. GRCh37 (hg19) VCF-style: chrX-13768343-A-G.
Other names: c.515+691A>G (NM_001330210.2); c.935+691A>G (NM_001330209.2).
Identifiers: ClinVar variation 3355623 (VCV003355623.2).